The following is an entry in ClinVar:

ClinVar aggregate classification (germline): Uncertain significance. Review status: criteria provided, multiple submitters, no conflicts (2 of 4 stars). 5 submissions from 5 submitters: Uncertain significance (4). 1 of the submissions does not count toward it. Last evaluated 2025-06-16.

Conditions:
SRP72-related disorder. Also called: SRP72-related condition.

Allele frequency attached by ClinVar (database versions not stated): TOPMed 0.00001; ExAC 0.00003; gnomAD exomes 0.00003 and 0.00005.
gnomAD v4.1: 42 of 1,613,828 alleles (0.0026%); highest among the groups gnomAD compares: South Asian, 0.0044%; no homozygotes.

Submissions (5):

Labcorp Genetics (formerly Invitae), Labcorp
Classification: Uncertain significance. Last evaluated: 2025-06-16. Review status: criteria provided, single submitter. Criteria: Invitae Variant Classification Sherloc (09022015). Collection method: clinical testing. Allele origin: germline.
Comment: This sequence change replaces arginine, which is basic and polar, with tryptophan, which is neutral and slightly polar, at codon 462 of the SRP72 protein (p.Arg462Trp). This variant is present in population databases (rs771523590, gnomAD 0.05%). This variant has not been reported in the literature in individuals affected with SRP72-related conditions. ClinVar contains an entry for this variant (Variation ID: 1338091). Invitae Evidence Modeling of protein sequence and biophysical properties (such as structural, functional, and spatial information, amino acid conservation, physicochemical variation, residue mobility, and thermodynamic stability) indicates that this missense variant is expected to disrupt SRP72 protein function with a positive predictive value of 80%. In summary, the available evidence is currently insufficient to determine the role of this variant in disease. Therefore, it has been classified as a Variant of Uncertain Significance.

Ambry Genetics
Classification: Uncertain significance. Last evaluated: 2024-12-02. Review status: criteria provided, single submitter. Criteria: Ambry Variant Classification Scheme 2023. Collection method: clinical testing. Allele origin: germline.
Comment: The p.R462W variant (also known as c.1384C>T), located in coding exon 14 of the SRP72 gene, results from a C to T substitution at nucleotide position 1384. The arginine at codon 462 is replaced by tryptophan, an amino acid with dissimilar properties. This amino acid position is conserved. In addition, the in silico prediction for this alteration is inconclusive. Based on the available evidence, the clinical significance of this variant remains unclear.

GeneDx
Classification: Uncertain significance. Last evaluated: 2024-02-20. Review status: criteria provided, single submitter. Criteria: GeneDx Variant Classification Process June 2021. Collection method: clinical testing. Allele origin: germline. Affected: yes.
Comment: In silico analysis supports that this missense variant has a deleterious effect on protein structure/function; Has not been previously published as pathogenic or benign to our knowledge

Genetic Services Laboratory, University of Chicago
Classification: Uncertain significance. Last evaluated: 2021-10-07. Review status: criteria provided, single submitter. Criteria: ACMG Guidelines, 2015. Collection method: clinical testing. Allele origin: germline. Affected: no.
Comment: This sequence change does not appear to have been previously described in individuals with SRP72-related disorders. This sequence change has been described in the gnomAD database with a frequency of 0.0048% (dbSNP rs771523590). The p.Arg462Trp change affects a highly conserved amino acid residue located in a domain of the SRP72 protein that is known to be functional. In-silico pathogenicity prediction tools (SIFT, PolyPhen2, Align GVGD, REVEL) provide contradictory results for the p.Arg462Trp substitution. Due to insufficient evidence and the lack of functional studies, the clinical significance of the p.Arg462Trp change remains unknown at this time.

PreventionGenetics, part of Exact Sciences
Classification: Likely benign for SRP72-related condition. Last evaluated: 2024-03-19. Review status: no assertion criteria provided. Collection method: clinical testing. Allele origin: germline. Not counted in ClinVar's aggregate classification.
Comment: This variant is classified as likely benign based on ACMG/AMP sequence variant interpretation guidelines (Richards et al. 2015 PMID: 25741868, with internal and published modifications).

NM_006947.4(SRP72):c.1384C>T (p.Arg462Trp)

Gene: SRP72 (signal recognition particle 72; plus strand). Cytogenetic location: 4q12.
Variant type: single nucleotide variant.
Coding change: c.1384C>T on transcript NM_006947.4 (MANE Select); coding-DNA position 1384, C replaced by T.
Protein change: p.Arg462Trp; replaces arginine 462 with tryptophan.
Molecular consequence: missense variant. On other transcripts: non-coding transcript variant (1).
Genome position (GRCh38, 1-based): chr4:56,490,396, C>T. VCF-style: chr4-56490396-C-T. GRCh37 (hg19) VCF-style: chr4-57356562-C-T.
Other names: c.1201C>T, p.Arg401Trp (NM_001267722.2); short protein forms R401W, R462W.
Identifiers: ClinVar variation 1338091 (VCV001338091.15), dbSNP rs771523590, ClinGen allele CA2931347.